The following is an entry in ClinVar:

ClinVar aggregate classification (germline): Uncertain significance. Review status: criteria provided, multiple submitters, no conflicts (2 of 4 stars). 2 submissions from 2 submitters: Uncertain significance (2). Last evaluated 2025-10-08.

Conditions:
Arrhythmogenic right ventricular dysplasia 9 (ARVD9). Also called: Arrhythmogenic Right Ventricular Dysplasia/Cardiomyopathy 9; ARRHYTHMOGENIC RIGHT VENTRICULAR DYSPLASIA, FAMILIAL, 9. Identifiers: MedGen C1836906, MONDO:0012180, OMIM 609040.
Arrhythmogenic right ventricular cardiomyopathy (ARVD). Also called: Arrhythmogenic right ventricular dysplasia; Cardiomyopathy, ARVC; Arrhythmogenic cardiomyopathy; Arrhythmogenic Right Ventricular Cardiomyopathy (ARVC). Identifiers: Orphanet 247, MedGen C0349788, MeSH D019571, MONDO:0016587. Disease mechanism: loss of function. Inheritance: Various modes of inheritance.

Allele frequency attached by ClinVar (database versions not stated): gnomAD exomes below 0.00001.
gnomAD v4.1: 1 of 1,609,322 alleles (0.000062%); highest among the groups gnomAD compares: Non-Finnish European, 0.000085%; no homozygotes.

Submissions (2):

Labcorp Genetics (formerly Invitae), Labcorp
Classification: Uncertain significance for Arrhythmogenic right ventricular dysplasia 9. Last evaluated: 2025-10-08. Review status: criteria provided, single submitter. Criteria: Invitae Variant Classification Sherloc (09022015). Collection method: clinical testing. Allele origin: germline.
Comment: This sequence change replaces aspartic acid, which is acidic and polar, with tyrosine, which is neutral and polar, at codon 96 of the PKP2 protein (p.Asp96Tyr). This variant is not present in population databases (gnomAD no frequency). This variant has not been reported in the literature in individuals affected with PKP2-related conditions. ClinVar contains an entry for this variant (Variation ID: 3074575). An algorithm developed to predict the effect of missense changes on protein structure and function (PolyPhen-2) suggests that this variant is likely to be disruptive. In summary, the available evidence is currently insufficient to determine the role of this variant in disease. Therefore, it has been classified as a Variant of Uncertain Significance.

All of Us Research Program, National Institutes of Health
Classification: Uncertain significance for Arrhythmogenic right ventricular cardiomyopathy. Last evaluated: 2023-12-01. Review status: criteria provided, single submitter. Criteria: ACMG Guidelines, 2015. Collection method: clinical testing. Allele origin: germline. Inheritance: Autosomal dominant inheritance. Observed: 1 variant allele, 1 heterozygote.
Comment: This study involves interpretation of variants in research participants for the purpose of population health screening. Participant phenotype was not available at the time of variant classification. Additional details can be found in publication PMID: 35346344, PMCID: PMC8962531

NM_001005242.3(PKP2):c.286G>T (p.Asp96Tyr)

Gene: PKP2 (plakophilin 2; minus strand). Cytogenetic location: 12p11.21.
Variant type: single nucleotide variant.
Coding change: c.286G>T on transcript NM_001005242.3 (MANE Select); coding-DNA position 286, G replaced by T.
Protein change: p.Asp96Tyr; replaces aspartic acid 96 with tyrosine.
Molecular consequence: missense variant. On other transcripts: 5 prime UTR variant (4).
Genome position (GRCh38, 1-based): chr12:32,878,970, C>A on the plus strand (G>T on the coding strand, the complement: PKP2 is on the minus strand). VCF-style: chr12-32878970-C-A. GRCh37 (hg19) VCF-style: chr12-33031904-C-A.
Other names: c.286G>T, p.Asp96Tyr (NM_001407155.1, NM_001407156.1, NM_001407157.1 and 2 more transcripts); c.-42G>T (NM_001407158.1, NM_001407159.1, NM_001407160.1 and 1 more transcripts); short protein forms D96Y.
Identifiers: ClinVar variation 3074575 (VCV003074575.2), dbSNP rs2541344774, ClinGen allele CA384366555.